The following is an entry in ClinVar:

NM_000535.7(PMS2):c.525_534del (p.Asn176fs)

Gene: PMS2 (PMS1 homolog 2, mismatch repair system component; minus strand). Cytogenetic location: 7p22.1.
Variant type: Deletion.
Coding change: c.525_534del on transcript NM_000535.7 (MANE Select); coding-DNA positions 525 to 534, 10 bases deleted (GAATATTAAG; older notation c.525_534delGAATATTAAG).
Protein change: p.Asn176fs; shifts the reading frame from asparagine 176.
Molecular consequence: frameshift variant. On other transcripts: 5 prime UTR variant (2), non-coding transcript variant (1).
Genome position (GRCh38, 1-based): chr7:6,002,456-6,002,465, CTTAATATTC deleted on the plus strand (GAATATTAAG on the coding strand, the reverse complement: PMS2 is on the minus strand); deleting any 10 consecutive bases within chr7:6,002,456-6,002,468 gives the same sequence; the c. name uses the placement nearest the transcript's 3' end. VCF-style (leftmost placement, unchanged base first): chr7-6002455-TCTTAATATTC-T. GRCh37 (hg19) VCF-style: chr7-6042086-TCTTAATATTC-T.
Other names: c.120_129del, p.Asn41fs (NM_001322003.2, NM_001322004.2, NM_001322005.2 and 3 more transcripts); c.525_534del, p.Asn176fs (NM_001322006.2, NM_001322014.2); c.207_216del, p.Asn70fs (NM_001322007.2, NM_001322008.2); c.-360_-351del (NM_001322011.2, NM_001322012.2); c.216_225del, p.Asn73fs (NM_001322015.2); short protein forms N41fs, N176fs, N70fs, N73fs.
Identifiers: ClinVar variation 924841 (VCV000924841.6), dbSNP rs1785187053, ClinGen allele CA1139659964.

ClinVar aggregate classification (germline): Pathogenic. Review status: criteria provided, multiple submitters, no conflicts (2 of 4 stars). 3 submissions from 3 submitters: Pathogenic (3). Last evaluated 2024-10-30.

Conditions:
Hereditary cancer-predisposing syndrome. Also called: Neoplastic Syndromes, Hereditary; Tumor predisposition; Hereditary Cancer Syndrome; Hereditary neoplastic syndrome. Identifiers: Orphanet 140162, MedGen C0027672, MeSH D009386, MONDO:0015356.
Lynch syndrome 4 (LYNCH4). Also called: Colorectal cancer, hereditary nonpolyposis, type 4; Hereditary non-polyposis colorectal cancer, type 4. Identifiers: Orphanet 144, MedGen C1838333, MONDO:0013699, OMIM 614337. Disease mechanism: loss of function.
Hereditary nonpolyposis colorectal neoplasms. Identifiers: MedGen C0009405, MeSH D003123.

Submissions (3):

Labcorp Genetics (formerly Invitae), Labcorp
Classification: Pathogenic for Hereditary nonpolyposis colorectal neoplasms. Last evaluated: 2024-10-30. Review status: criteria provided, single submitter. Criteria: Invitae Variant Classification Sherloc (09022015). Collection method: clinical testing. Allele origin: germline.
Comment: This sequence change creates a premature translational stop signal (p.Asn176Argfs*22) in the PMS2 gene. It is expected to result in an absent or disrupted protein product. Loss-of-function variants in PMS2 are known to be pathogenic (PMID: 21376568, 24362816). This variant is not present in population databases (gnomAD no frequency). This variant has not been reported in the literature in individuals affected with PMS2-related conditions. ClinVar contains an entry for this variant (Variation ID: 924841). For these reasons, this variant has been classified as Pathogenic.

Myriad Genetics, Inc.
Classification: Pathogenic for Lynch syndrome 4. Last evaluated: 2023-09-19. Review status: criteria provided, single submitter. Criteria: Myriad Autosomal Dominant, Autosomal Recessive and X-Linked Classification Criteria (2023). Collection method: clinical testing. Allele origin: unknown.
Comment: This variant is considered pathogenic. This variant creates a frameshift predicted to result in premature protein truncation.

Color Diagnostics, LLC DBA Color Health
Classification: Pathogenic for Hereditary cancer-predisposing syndrome. Last evaluated: 2020-01-02. Review status: criteria provided, single submitter. Criteria: ACMG Guidelines, 2015. Collection method: clinical testing. Allele origin: germline.
Comment: This variant deletes 10 nucleotides in exon 5 of the PMS2 gene, creating a frameshift and premature translation stop signal. This variant is expected to result in an absent or non-functional protein product. Splice site prediction tools suggest that this variant may not impact RNA splicing. To our knowledge, functional studies have not been performed for this variant. This variant has not been reported in individuals affected with hereditary cancer in the literature. This variant has not been identified in the general population by the Genome Aggregation Database (gnomAD). Loss of PMS2 function is a known mechanism of disease. Based on the available evidence, this variant is classified as Pathogenic.

Literature cited by the submitters: PubMed 21376568 (cited by Labcorp Genetics (formerly Invitae), Labcorp); PubMed 24362816 (cited by Labcorp Genetics (formerly Invitae), Labcorp).